The following is an entry in ClinVar:

ClinVar aggregate classification (germline): Pathogenic (1 of 4 stars; one submission).

Conditions:
Cockayne syndrome type 1. Also called: Cockayne syndrome type I; Cockayne syndrome classical; Cockayne syndrome classic form. Identifiers: Orphanet 191, Orphanet 90321, MedGen C0751039, MONDO:0019569, OMIM 216400.

Submission:

Myriad Genetics, Inc.
Classification: Pathogenic for Cockayne syndrome type 1. Last evaluated: 2026-08-29. Review status: criteria provided, single submitter. Criteria: Myriad Autosomal Dominant, Autosomal Recessive and X-Linked Classification Criteria (2023). Collection method: clinical testing. Allele origin: unknown.
Comment: NM_000082.3(ERCC8):c.806delT(M269Rfs*14) is expected to be pathogenic in the context of ERCC8-related disorders. This variant is predicted to lead to an abnormal or absent protein product due to the creation of a premature termination codon in ERCC8, a gene where loss-of-function variants are known to be pathogenic. Please note: this variant was assessed in the context of healthy population screening.

NM_000082.4(ERCC8):c.806del (p.Met269fs)

Gene: ERCC8 (ERCC excision repair 8, CSA ubiquitin ligase complex subunit; minus strand). Cytogenetic location: 5q12.1.
Variant type: Deletion.
Coding change: c.806del on transcript NM_000082.4 (MANE Select); coding-DNA position 806, one base deleted (T; older notation c.806delT).
Protein change: p.Met269fs; shifts the reading frame from methionine 269.
Molecular consequence: frameshift variant.
Genome position (GRCh38, 1-based): chr5:60,898,313, A deleted on the plus strand (T on the coding strand, the reverse complement: ERCC8 is on the minus strand). VCF-style (leftmost placement, unchanged base first): chr5-60898312-CA-C. GRCh37 (hg19) VCF-style: chr5-60194139-CA-C.
Other names: c.632del, p.Met211fs (NM_001007233.3); c.347del, p.Met116fs (NM_001290285.2); short protein forms M116fs, M211fs, M269fs.
Identifiers: ClinVar variation 5016302 (VCV005016302.1).